The following is an entry in ClinVar:

NM_001267550.2(TTN):c.5929G>A (p.Val1977Met)

Gene: TTN (titin; minus strand). Cytogenetic location: 2q31.2.
Variant type: single nucleotide variant.
Coding change: c.5929G>A on transcript NM_001267550.2 (MANE Select); coding-DNA position 5929, G replaced by A.
Protein change: p.Val1977Met; replaces valine 1977 with methionine.
Molecular consequence: missense variant.
Genome position (GRCh38, 1-based): chr2:178,775,935, C>T on the plus strand (G>A on the coding strand, the complement: TTN is on the minus strand). VCF-style: chr2-178775935-C-T. GRCh37 (hg19) VCF-style: chr2-179640662-C-T.
Other names: c.5929G>A, p.Val1977Met (NM_133378.4, NM_001256850.1, NM_133379.5); c.5791G>A, p.Val1931Met (NM_003319.4, NM_133432.3, NM_133437.4); short protein forms V1977M, V1931M.
Identifiers: ClinVar variation 229494 (VCV000229494.5), dbSNP rs876658075, ClinGen allele CA10576573.

ClinVar aggregate classification (germline): Uncertain significance (1 of 4 stars; one submission).

Submission:

Laboratory for Molecular Medicine, Mass General Brigham Personalized Medicine
Classification: Uncertain significance. Last evaluated: 2015-06-03. Review status: criteria provided, single submitter. Criteria: LMM Criteria. Collection method: clinical testing. Allele origin: germline. Observed: 1 variant allele.
Comment: The p.Val1977Met variant in TTN has not been previously reported in individuals with cardiomyopathy and was absent from large population studies. Computational prediction tools and conservation analysis suggest that the p.Val1977Met variant may impact the protein, though this information is not predictive enough to det ermine pathogenicity. In summary, the clinical significance of the p.Val1977Met variant is uncertain.